The following is an entry in ClinVar:

NM_016507.4(CDK12):c.1630C>G (p.Pro544Ala)

Gene: CDK12 (cyclin dependent kinase 12; plus strand). Cytogenetic location: 17q12.
Variant type: single nucleotide variant.
Coding change: c.1630C>G on transcript NM_016507.4 (MANE Select); coding-DNA position 1630, C replaced by G.
Protein change: p.Pro544Ala; replaces proline 544 with alanine.
Molecular consequence: missense variant.
Genome position (GRCh38, 1-based): chr17:39,471,462, C>G. VCF-style: chr17-39471462-C-G. GRCh37 (hg19) VCF-style: chr17-37627715-C-G.
Other names: c.1630C>G, p.Pro544Ala (NM_015083.4); short protein forms P544A.
Identifiers: ClinVar variation 4868528 (VCV004868528.1).
Genomic context (GRCh38, chr17:39,471,462, plus strand): 5'-GAGACCCCTCCACCTCTTCCCACAATTGCTTCTCCCCCACCCCCTCTACCAACTACTACC[C>G]CTCCACCTCAGACACCCCCTTTGCCACCTTTGCCTCCAATACCAGCTCTTCCACAGCAAC-3'
Protein context (NP_057591.2, residues 534-554): SPPPPLPTTT[Pro544Ala]PPQTPPLPPL

ClinVar aggregate classification (germline): Uncertain significance (1 of 4 stars; one submission).

gnomAD v4.1: 1 of 1,613,564 alleles (0.000062%); highest among the groups gnomAD compares: East Asian, 0.0022%; no homozygotes.

Submission:

Ambry Genetics
Classification: Uncertain significance. Last evaluated: 2026-05-14. Review status: criteria provided, single submitter. Criteria: Ambry Variant Classification Scheme 2023. Collection method: clinical testing. Allele origin: germline.
Comment: The p.P544A variant (also known as c.1630C>G), located in coding exon 2 of the CDK12 gene, results from a C to G substitution at nucleotide position 1630. The proline at codon 544 is replaced by alanine, an amino acid with highly similar properties. This amino acid position is conserved. In addition, this alteration is predicted to be tolerated by in silico analysis. Based on the available evidence, the clinical significance of this variant remains unclear.